The following is an entry in ClinVar:

ClinVar aggregate classification (germline): Likely benign (1 of 4 stars; one submission).

gnomAD v4.1: 1 of 1,613,954 alleles (0.000062%); highest among the groups gnomAD compares: Admixed American, 0.0017%; no homozygotes.

Submission:

CeGaT Center for Human Genetics Tuebingen
Classification: Likely benign. Last evaluated: 2026-03-01. Review status: criteria provided, single submitter. Criteria: CeGaT Center For Human Genetics Tuebingen Variant Classification Criteria Version 2. Collection method: clinical testing. Allele origin: germline. Affected: yes. Observed: 1 variant allele.
Comment: ZFHX3: BP4, BP7

NM_006885.4(ZFHX3):c.5643C>T (p.Val1881=)

Genes: ZFHX3 (zinc finger homeobox 3; minus strand), ZFHX3-AS1 (ZFHX3 antisense RNA 1; plus strand). Cytogenetic location: 16q22.2.
Variant type: single nucleotide variant.
Coding change: c.5643C>T on transcript NM_006885.4 (MANE Select); coding-DNA position 5643, C replaced by T.
Protein change: p.Val1881=; no amino-acid change (valine 1881 retained).
Molecular consequence: synonymous variant.
Genome position (GRCh38, 1-based): chr16:72,797,039, G>A on the plus strand (C>T on the coding strand, the complement: ZFHX3 is on the minus strand). VCF-style: chr16-72797039-G-A. GRCh37 (hg19) VCF-style: chr16-72830938-G-A.
Other names: c.2901C>T, p.Val967= (NM_001164766.2); c.5643C>T, p.Val1881= (NM_001386735.1).
Identifiers: ClinVar variation 4823764 (VCV004823764.4).